The following is an entry in ClinVar:

ClinVar aggregate classification (germline): Uncertain significance (1 of 4 stars; one submission).

gnomAD v4.1: 1 of 1,614,098 alleles (0.000062%); highest among the groups gnomAD compares: Non-Finnish European, 0.000085%; no homozygotes.

Submission:

GeneDx
Classification: Uncertain significance. Last evaluated: 2024-09-04. Review status: criteria provided, single submitter. Criteria: GeneDx Variant Classification Process June 2021. Collection method: clinical testing. Allele origin: germline. Affected: yes.
Comment: Not observed at significant frequency in large population cohorts (gnomAD); In silico analysis supports that this missense variant has a deleterious effect on protein structure/function; Has not been previously published as pathogenic or benign to our knowledge

NM_006545.5(NPRL2):c.1122C>A (p.Asn374Lys)

Gene: NPRL2 (NPR2 like, GATOR1 complex subunit; minus strand). Cytogenetic location: 3p21.31.
Variant type: single nucleotide variant.
Coding change: c.1122C>A on transcript NM_006545.5 (MANE Select); coding-DNA position 1122, C replaced by A.
Protein change: p.Asn374Lys; replaces asparagine 374 with lysine.
Molecular consequence: missense variant.
Genome position (GRCh38, 1-based): chr3:50,347,627, G>T on the plus strand (C>A on the coding strand, the complement: NPRL2 is on the minus strand). VCF-style: chr3-50347627-G-T. GRCh37 (hg19) VCF-style: chr3-50385058-G-T.
Other names: short protein forms N374K.
Identifiers: ClinVar variation 3767641 (VCV003767641.1).